The following is an entry in ClinVar:

NM_001267550.2(TTN):c.25921+7G>A

Gene: TTN (titin; minus strand). Cytogenetic location: 2q31.2.
Variant type: single nucleotide variant.
Coding change: c.25921+7G>A on transcript NM_001267550.2 (MANE Select); 7 bases into the intron after coding-DNA position 25921, G replaced by A.
Molecular consequence: intron variant.
Genome position (GRCh38, 1-based): chr2:178,715,486, C>T on the plus strand (G>A on the coding strand, the complement: TTN is on the minus strand). VCF-style: chr2-178715486-C-T. GRCh37 (hg19) VCF-style: chr2-179580213-C-T.
Other names: c.13282+22596G>A (NM_003319.4); c.13858+22596G>A (NM_133437.4); c.13657+22596G>A (NM_133432.3); c.22189+7G>A (NM_133378.4); c.24970+7G>A (NM_001256850.1).
Identifiers: ClinVar variation 1619105 (VCV001619105.9), dbSNP rs780204398, ClinGen allele CA2000122.

ClinVar aggregate classification (germline): Likely benign. Review status: criteria provided, multiple submitters, no conflicts (2 of 4 stars). 2 submissions from 2 submitters: Likely benign (2). Last evaluated 2025-12-13.

Conditions:
TTN-related disorder. Also called: TTN-related disorders; TTN-related condition; TTN-related disease.
Autosomal recessive limb-girdle muscular dystrophy type 2J (LGMDR10). Also called: MUSCULAR DYSTROPHY, LIMB-GIRDLE, AUTOSOMAL RECESSIVE 10; Limb-girdle muscular dystrophy, type 2J. Identifiers: Orphanet 140922, MedGen C1837342, MONDO:0012127, OMIM 608807.
Dilated cardiomyopathy 1G (CMD1G). Identifiers: Orphanet 154, MedGen C1858763, MONDO:0011400, OMIM 604145.

Allele frequency attached by ClinVar (database versions not stated): ExAC 0.00002; TOPMed 0.00005.
gnomAD v4.1: 12 of 1,606,722 alleles (0.00075%); highest among the groups gnomAD compares: Middle Eastern, 0.017%; no homozygotes.

Submissions (2):

Labcorp Genetics (formerly Invitae), Labcorp
Classification: Likely benign for Dilated cardiomyopathy 1G; Autosomal recessive limb-girdle muscular dystrophy type 2J. Last evaluated: 2025-12-13. Review status: criteria provided, single submitter. Criteria: Invitae Variant Classification Sherloc (09022015). Collection method: clinical testing. Allele origin: germline.

PreventionGenetics, part of Exact Sciences
Classification: Likely benign for TTN-related condition. Last evaluated: 2025-05-05. Review status: criteria provided, single submitter. Criteria: ACMG Guidelines, 2015. Collection method: clinical testing. Allele origin: germline.
Comment: This variant is classified as likely benign based on ACMG/AMP sequence variant interpretation guidelines (Richards et al. 2015 PMID: 25741868, with internal and published modifications).